The following is an entry in ClinVar:

ClinVar aggregate classification (germline): Conflicting classifications of pathogenicity. Review status: criteria provided, conflicting classifications (1 of 4 stars). 6 submissions from 6 submitters: Uncertain significance (2); Likely benign (3). 1 of the submissions does not count toward it. Last evaluated 2026-01-09.

Conditions:
Inborn genetic diseases. Identifiers: MedGen C0950123, MeSH D030342.
KCNN4-related disorder. Also called: KCNN4-related condition.

Allele frequency attached by ClinVar (database versions not stated): gnomAD 0.00016 and 0.00017; 1000 Genomes Project 30x 0.00031; TOPMed 0.00035; ExAC 0.00071; gnomAD exomes 0.00077.

Submissions (6):

Labcorp Genetics (formerly Invitae), Labcorp
Classification: Likely benign. Last evaluated: 2026-01-09. Review status: criteria provided, single submitter. Criteria: Invitae Variant Classification Sherloc (09022015). Collection method: clinical testing. Allele origin: germline.

Mayo Clinic Laboratories, Mayo Clinic
Classification: Uncertain significance. Last evaluated: 2025-09-10. Review status: criteria provided, single submitter. Criteria: ACMG Guidelines, 2015. Collection method: clinical testing. Allele origin: germline. Observed: 3 variant alleles.
Comment: PM2_supporting

Ambry Genetics
Classification: Uncertain significance for Inborn genetic diseases. Last evaluated: 2025-02-19. Review status: criteria provided, single submitter. Criteria: Ambry Variant Classification Scheme 2023. Collection method: clinical testing. Allele origin: germline.

Blueprint Genetics
Classification: Likely benign. Last evaluated: 2021-10-15. Review status: criteria provided, single submitter. Criteria: ACMG Guidelines, 2015. Collection method: clinical testing. Allele origin: germline.

Breakthrough Genomics
Classification: Likely benign. Review status: criteria provided, single submitter. Criteria: ACMG Guidelines, 2015. Collection method: not provided. Allele origin: germline. Inheritance: Autosomal dominant inheritance. Affected: yes.

PreventionGenetics, part of Exact Sciences
Classification: Likely benign for KCNN4-related condition. Last evaluated: 2022-05-09. Review status: no assertion criteria provided. Collection method: clinical testing. Allele origin: germline. Not counted in ClinVar's aggregate classification.
Comment: This variant is classified as likely benign based on ACMG/AMP sequence variant interpretation guidelines (Richards et al. 2015 PMID: 25741868, with internal and published modifications).

NM_002250.3(KCNN4):c.447A>C (p.Glu149Asp)

Gene: KCNN4 (potassium calcium-activated channel subfamily N member 4; minus strand). Cytogenetic location: 19q13.31.
Variant type: single nucleotide variant.
Coding change: c.447A>C on transcript NM_002250.3 (MANE Select); coding-DNA position 447, A replaced by C.
Protein change: p.Glu149Asp; replaces glutamic acid 149 with aspartic acid.
Molecular consequence: missense variant.
Genome position (GRCh38, 1-based): chr19:43,774,428, T>G on the plus strand (A>C on the coding strand, the complement: KCNN4 is on the minus strand). VCF-style: chr19-43774428-T-G. GRCh37 (hg19) VCF-style: chr19-44278580-T-G.
Other names: p.Glu149Asp; short protein forms E149D.
Identifiers: ClinVar variation 729456 (VCV000729456.11), dbSNP rs557803591, ClinGen allele CA9491992.